The following is an entry in ClinVar:

NM_001134407.3(GRIN2A):c.3890A>G (p.Asp1297Gly)

Gene: GRIN2A (glutamate ionotropic receptor NMDA type subunit 2A; minus strand). Cytogenetic location: 16p13.2.
Variant type: single nucleotide variant.
Coding change: c.3890A>G on transcript NM_001134407.3 (MANE Select); coding-DNA position 3890, A replaced by G.
Protein change: p.Asp1297Gly; replaces aspartic acid 1297 with glycine.
Molecular consequence: missense variant. On other transcripts: intron variant (1).
Genome position (GRCh38, 1-based): chr16:9,763,654, T>C on the plus strand (A>G on the coding strand, the complement: GRIN2A is on the minus strand). VCF-style: chr16-9763654-T-C. GRCh37 (hg19) VCF-style: chr16-9857511-T-C.
Other names: c.3890A>G, p.Asp1297Gly (NM_000833.5); c.3772+118A>G (NM_001134408.2); short protein forms D1297G.
Identifiers: ClinVar variation 4621146 (VCV004621146.2).

ClinVar aggregate classification (germline): Uncertain significance. Review status: criteria provided, multiple submitters, no conflicts (2 of 4 stars). 2 submissions from 2 submitters: Uncertain significance (2). Last evaluated 2025-11-19.

Conditions:
Landau-Kleffner syndrome (FESD). Also called: EPILEPSY, FOCAL, WITH SPEECH DISORDER AND WITH OR WITHOUT MENTAL RETARDATION; APHASIA, ACQUIRED, WITH EPILEPSY. Identifiers: Orphanet 1945, Orphanet 725, Orphanet 98818, MedGen C0282512, MONDO:0009509, OMIM 245570.
Inborn genetic diseases. Identifiers: MedGen C0950123, MeSH D030342.

gnomAD v4.1: 1 of 1,613,500 alleles (0.000062%); highest among the groups gnomAD compares: Non-Finnish European, 0.000085%; no homozygotes.

Submissions (2):

Ambry Genetics
Classification: Uncertain significance for Inborn genetic diseases. Last evaluated: 2025-11-19. Review status: criteria provided, single submitter. Criteria: Ambry Variant Classification Scheme 2023. Collection method: clinical testing. Allele origin: germline.

Labcorp Genetics (formerly Invitae), Labcorp
Classification: Uncertain significance for Landau-Kleffner syndrome. Last evaluated: 2025-08-20. Review status: criteria provided, single submitter. Criteria: Invitae Variant Classification Sherloc (09022015). Collection method: clinical testing. Allele origin: germline.
Comment: This sequence change replaces aspartic acid, which is acidic and polar, with glycine, which is neutral and non-polar, at codon 1297 of the GRIN2A protein (p.Asp1297Gly). This variant is not present in population databases (gnomAD no frequency). This variant has not been reported in the literature in individuals affected with GRIN2A-related conditions. Invitae Evidence Modeling of protein sequence and biophysical properties (such as structural, functional, and spatial information, amino acid conservation, physicochemical variation, residue mobility, and thermodynamic stability) indicates that this missense variant is not expected to disrupt GRIN2A protein function with a negative predictive value of 95%. In summary, the available evidence is currently insufficient to determine the role of this variant in disease. Therefore, it has been classified as a Variant of Uncertain Significance.